The following is an entry in ClinVar:

NM_033380.3(COL4A5):c.609+21T>C

Gene: COL4A5 (collagen type IV alpha 5 chain; plus strand). Cytogenetic location: Xq22.3.
Variant type: single nucleotide variant.
Coding change: c.609+21T>C on transcript NM_033380.3 (MANE Select); 21 bases into the intron after coding-DNA position 609, T replaced by C.
Molecular consequence: intron variant.
Genome position (GRCh38, 1-based): chrX:108,575,993, T>C. VCF-style: chrX-108575993-T-C. GRCh37 (hg19) VCF-style: chrX-107819223-T-C.
Other names: c.609+21T>C (NM_000495.5).
Identifiers: ClinVar variation 24296 (VCV000024296.18), dbSNP rs6622333, ClinGen allele CA258286.

ClinVar aggregate classification (germline): Benign. Review status: criteria provided, multiple submitters, no conflicts (2 of 4 stars). 6 submissions from 6 submitters: Benign (6). Last evaluated 2024-07-15.

Conditions:
X-linked Alport syndrome (ATS1). Also called: COL4A5-Related Nephropathy; NEPHROPATHY AND DEAFNESS, X-LINKED. Identifiers: Orphanet 63, Orphanet 88917, MedGen C4746986, MONDO:0010520, OMIM 301050.

Allele frequency attached by ClinVar (database versions not stated): 1000 Genomes Project 30x 0.31800; 1000 Genomes Project 0.32477; ExAC 0.34224; ESP Exome Variant Server 0.14412; gnomAD 0.18370 and 0.19492; TOPMed 0.21771; gnomAD exomes 0.29982.
gnomAD v4.1: 241,107 of 1,064,430 alleles (23%); highest among the groups gnomAD compares: East Asian, 63%; 24,049 homozygotes.

Submissions (6):

Unidad de Genómica Garrahan, Hospital de Pediatría Garrahan
Classification: Benign. Last evaluated: 2024-07-15. Review status: criteria provided, single submitter. Criteria: ACMG Guidelines, 2015. Collection method: clinical testing. Allele origin: germline. Affected: no. Observed: 54 variant alleles.
Comment: This variant is classified as Benign based on local population frequency. This variant was detected in 58% of patients studied in a panel designed for Epileptic and Developmental Encephalopathy and Progressive Myoclonus Epilepsy. Number of patients: 54. Only high quality variants are reported.

Genome-Nilou Lab
Classification: Benign for X-linked Alport syndrome. Last evaluated: 2021-07-01. Review status: criteria provided, single submitter. Criteria: ACMG Guidelines, 2015. Collection method: clinical testing. Allele origin: germline. Affected: no.

ARUP Laboratories, Molecular Genetics and Genomics, ARUP Laboratories
Classification: Benign for X-linked Alport syndrome. Last evaluated: 2020-03-25. Review status: criteria provided, single submitter. Criteria: ARUP Molecular Germline Variant Investigation Process. Collection method: clinical testing. Allele origin: germline.

Blueprint Genetics
Classification: Benign. Last evaluated: 2018-06-20. Review status: criteria provided, single submitter. Criteria: ACMG Guidelines, 2015. Collection method: clinical testing. Allele origin: germline.

GeneDx
Classification: Benign. Last evaluated: 2015-03-03. Review status: criteria provided, single submitter. Criteria: GeneDx Variant Classification Process June 2021. Collection method: clinical testing. Allele origin: germline. Affected: yes.

Breakthrough Genomics
Classification: Benign. Review status: criteria provided, single submitter. Criteria: ACMG Guidelines, 2015. Collection method: not provided. Allele origin: germline. Inheritance: X-linked inheritance. Affected: yes.